The following is an entry in ClinVar:

NM_000180.4(GUCY2D):c.2T>C (p.Met1Thr)

Gene: GUCY2D (guanylate cyclase 2D, retinal; plus strand). Cytogenetic location: 17p13.1.
Variant type: single nucleotide variant.
Coding change: c.2T>C on transcript NM_000180.4 (MANE Select); coding-DNA position 2, T replaced by C.
Protein change: p.Met1Thr; changes the start codon (methionine 1).
Molecular consequence: missense variant, initiator codon variant.
Genome position (GRCh38, 1-based): chr17:8,003,049, T>C. VCF-style: chr17-8003049-T-C. GRCh37 (hg19) VCF-style: chr17-7906367-T-C.
Other names: NC_000017.10:g.7906367T>C; NP_000171.1:p.(Met1?); short protein forms M1T.
Identifiers: ClinVar variation 3381797 (VCV003381797.2).
Genomic context (GRCh38, chr17:8,003,049, plus strand): 5'-AGGGGAGGCCGGGGTCTCAGTCGCTCAGCCTGCTCCGTCTGTGTTCGCAGAAGCCGGCAA[T>C]GACCGCCTGCGCCCGCCGAGCGGGTGGGCTTCCGGACCCCGGGCTCTGCGGTCCCGCGTG-3'
Protein context (NP_000171.1, residues 1-11): [Met1Thr]TACARRAGGL

ClinVar aggregate classification (germline): Likely pathogenic (1 of 4 stars; one submission).

Conditions:
Retinal dystrophy. Also called: Inherited retinal dystrophy. Identifiers: Orphanet 71862, MedGen C0854723, MeSH D058499, MONDO:0019118, HP:0000556.

Submission:

Ophthalmic Genetics Group, Institute of Molecular and Clinical Ophthalmology Basel
Classification: Likely pathogenic for Retinal dystrophy. Last evaluated: 2024-05-27. Review status: criteria provided, single submitter. Criteria: ACMG Guidelines, 2015. Collection method: research. Allele origin: germline. Affected: yes. Observed: 3 variant alleles.
Comment: This variant was classified as Likely pathogenic based on ACMG criteria: PVS1_strong, PM2_sup and PP1 strong

Literature cited by the submitters: PubMed 40180963.